The following is an entry in ClinVar:

NM_198503.5(KCNT2):c.2526C>T (p.Pro842=)

Gene: KCNT2 (potassium sodium-activated channel subfamily T member 2; minus strand). Cytogenetic location: 1q31.3.
Variant type: single nucleotide variant.
Coding change: c.2526C>T on transcript NM_198503.5 (MANE Select); coding-DNA position 2526, C replaced by T.
Protein change: p.Pro842=; no amino-acid change (proline 842 retained).
Molecular consequence: synonymous variant. On other transcripts: non-coding transcript variant (2).
Genome position (GRCh38, 1-based): chr1:196,305,303, G>A on the plus strand (C>T on the coding strand, the complement: KCNT2 is on the minus strand). VCF-style: chr1-196305303-G-A. GRCh37 (hg19) VCF-style: chr1-196274433-G-A.
Other names: c.2454C>T, p.Pro818= (NM_001287819.3); c.2304C>T, p.Pro768= (NM_001287820.3).
Identifiers: ClinVar variation 3052890 (VCV003052890.3), dbSNP rs371248112, ClinGen allele CA1304164.

ClinVar aggregate classification (germline): Likely benign. Review status: criteria provided, single submitter (1 of 4 stars). 2 submissions from 2 submitters: Likely benign (1). 1 of the submissions does not count toward it. Last evaluated 2022-07-14.

Conditions:
KCNT2-related disorder. Also called: KCNT2-related condition. Identifiers: MedGen CN236796.

Allele frequency attached by ClinVar (database versions not stated): ExAC 0.00003; gnomAD 0.00003; TOPMed 0.00004; ESP Exome Variant Server 0.00008.
gnomAD v4.1: 55 of 1,612,398 alleles (0.0034%); highest among the groups gnomAD compares: Admixed American, 0.0067%; no homozygotes.

Submissions (2):

Blueprint Genetics
Classification: Likely benign. Last evaluated: 2022-07-14. Review status: criteria provided, single submitter. Criteria: ACMG Guidelines, 2015. Collection method: clinical testing. Allele origin: germline.

PreventionGenetics, part of Exact Sciences
Classification: Likely benign for KCNT2-related condition. Last evaluated: 2019-08-14. Review status: no assertion criteria provided. Collection method: clinical testing. Allele origin: germline. Not counted in ClinVar's aggregate classification.
Comment: This variant is classified as likely benign based on ACMG/AMP sequence variant interpretation guidelines (Richards et al. 2015 PMID: 25741868, with internal and published modifications).